The following is an entry in ClinVar:

ClinVar aggregate classification (germline): Uncertain significance (1 of 4 stars; one submission).

Conditions:
Spondyloepimetaphyseal dysplasia, Genevieve type. Also called: SEMD Genevieve type; NANS DEFICIENCY. Identifiers: Orphanet 168454, MedGen C1864872, MONDO:0012495, OMIM 610442.

gnomAD v4.1: 14 of 1,613,946 alleles (0.00087%); highest among the groups gnomAD compares: African/African-American, 0.0027%; no homozygotes.

Submission:

Juno Genomics, Hangzhou Juno Genomics, Inc
Classification: Uncertain significance for Spondyloepimetaphyseal dysplasia, Genevieve type. Review status: criteria provided, single submitter. Criteria: ACMG Guidelines, 2015. Collection method: clinical testing. Allele origin: germline. Affected: yes.
Comment: Absent from controls (or at extremely low frequency if recessive) in Genome Aggregation Database.;Multiple lines of computational evidence support a deleterious effect on the gene or gene product.;For recessive disorders, detected in trans with a pathogenic variant.;Patient's phenotype or family history is highly specific for a disease with a single genetic etiology.

NM_018946.4(NANS):c.679G>A (p.Ala227Thr)

Genes: NANS (N-acetylneuraminate synthase; plus strand), TRIM14 (tripartite motif containing 14; minus strand). Cytogenetic location: 9q22.33.
Variant type: single nucleotide variant.
Coding change: c.679G>A on transcript NM_018946.4 (MANE Select); coding-DNA position 679, G replaced by A.
Protein change: p.Ala227Thr; replaces alanine 227 with threonine.
Molecular consequence: missense variant.
Genome position (GRCh38, 1-based): chr9:98,080,891, G>A. VCF-style: chr9-98080891-G-A. GRCh37 (hg19) VCF-style: chr9-100843173-G-A.
Other names: short protein forms A227T.
Identifiers: ClinVar variation 5019976 (VCV005019976.1).